The following is an entry in ClinVar:

NM_206933.4(USH2A):c.14915G>A (p.Arg4972His)

Gene: USH2A (usherin; minus strand). Cytogenetic location: 1q41.
Variant type: single nucleotide variant.
Coding change: c.14915G>A on transcript NM_206933.4 (MANE Select); coding-DNA position 14915, G replaced by A.
Protein change: p.Arg4972His; replaces arginine 4972 with histidine.
Molecular consequence: missense variant.
Genome position (GRCh38, 1-based): chr1:215,640,611, C>T on the plus strand (G>A on the coding strand, the complement: USH2A is on the minus strand). VCF-style: chr1-215640611-C-T. GRCh37 (hg19) VCF-style: chr1-215813953-C-T.
Other names: short protein forms R4972H.
Identifiers: ClinVar variation 2139349 (VCV002139349.1), dbSNP rs554061688, ClinGen allele CA1392888.
Genomic context (GRCh38, chr1:215,640,611, plus strand): 5'-AACTAACTTTTGTCCGCCGTTCTCGGTATGTAGAGGGTGGTGTCCAAGCCGCTGTACACG[C>T]GTCGCCCTCCGTCGGTTAACACGTACTCCTTCAGTTGGCCGTTCAGGAGGAAGGTGTCAC-3'
Protein context (NP_996816.3, residues 4962-4982): KEYVLTDGGR[Arg4972His]VYSGLDTTLY

ClinVar aggregate classification (germline): Uncertain significance (1 of 4 stars; one submission).

Allele frequency attached by ClinVar (database versions not stated): TOPMed below 0.00001; gnomAD 0.00001; ExAC 0.00002; 1000 Genomes Project 30x 0.00016; 1000 Genomes Project 0.00020.
gnomAD v4.1: 9 of 1,613,824 alleles (0.00056%); highest among the groups gnomAD compares: Admixed American, 0.0033%; no homozygotes.

Submission:

Labcorp Genetics (formerly Invitae), Labcorp
Classification: Uncertain significance. Last evaluated: 2022-02-22. Review status: criteria provided, single submitter. Criteria: Invitae Variant Classification Sherloc (09022015). Collection method: clinical testing. Allele origin: germline.
Comment: This sequence change replaces arginine, which is basic and polar, with histidine, which is basic and polar, at codon 4972 of the USH2A protein (p.Arg4972His). This variant is present in population databases (rs554061688, gnomAD 0.007%). This variant has not been reported in the literature in individuals affected with USH2A-related conditions. Algorithms developed to predict the effect of missense changes on protein structure and function are either unavailable or do not agree on the potential impact of this missense change (SIFT: "Deleterious"; PolyPhen-2: "Benign"; Align-GVGD: "Class C0"). In summary, the available evidence is currently insufficient to determine the role of this variant in disease. Therefore, it has been classified as a Variant of Uncertain Significance.